The following is an entry in ClinVar:

ClinVar aggregate classification (germline): Benign/Likely benign. Review status: criteria provided, multiple submitters, no conflicts (2 of 4 stars). 4 submissions from 4 submitters: Benign (2); Likely benign (2). Last evaluated 2026-06-30.

Conditions:
MAP3K8-related disorder. Also called: MAP3K8-related condition.

Allele frequency attached by ClinVar (database versions not stated): gnomAD exomes 0.00007 and 0.00027; ExAC 0.00032; 1000 Genomes Project 0.00060; 1000 Genomes Project 30x 0.00062; gnomAD 0.00080 and 0.00087; TOPMed 0.00083; ESP Exome Variant Server 0.00108.
gnomAD v4.1: 232 of 1,613,626 alleles (0.014%); highest among the groups gnomAD compares: African/African-American, 0.28%; 1 homozygote.

Submissions (4):

PreventionGenetics, part of Exact Sciences
Classification: Likely benign for MAP3K8-related condition. Last evaluated: 2026-06-30. Review status: criteria provided, single submitter. Criteria: ACMG Guidelines, 2015. Collection method: clinical testing. Allele origin: germline.
Comment: This variant is classified as likely benign based on ACMG/AMP sequence variant interpretation guidelines (Richards et al. 2015 PMID: 25741868, with internal and published modifications).

Labcorp Genetics (formerly Invitae), Labcorp
Classification: Benign. Last evaluated: 2026-02-02. Review status: criteria provided, single submitter. Criteria: Invitae Variant Classification Sherloc (09022015). Collection method: clinical testing. Allele origin: germline.

Blueprint Genetics
Classification: Likely benign. Last evaluated: 2024-06-26. Review status: criteria provided, single submitter. Criteria: ACMG Guidelines, 2015. Collection method: clinical testing. Allele origin: germline.

Breakthrough Genomics
Classification: Benign. Review status: criteria provided, single submitter. Criteria: ACMG Guidelines, 2015. Collection method: not provided. Allele origin: germline. Inheritance: Autosomal dominant inheritance. Affected: yes.

NM_005204.4(MAP3K8):c.1269T>C (p.Ile423=)

Gene: MAP3K8 (mitogen-activated protein kinase kinase kinase 8; plus strand). Cytogenetic location: 10p11.23.
Variant type: single nucleotide variant.
Coding change: c.1269T>C on transcript NM_005204.4 (MANE Select); coding-DNA position 1269, T replaced by C.
Protein change: p.Ile423=; no amino-acid change (isoleucine 423 retained).
Molecular consequence: synonymous variant.
Genome position (GRCh38, 1-based): chr10:30,459,497, T>C. VCF-style: chr10-30459497-T-C. GRCh37 (hg19) VCF-style: chr10-30748426-T-C.
Other names: c.1269T>C, p.Ile423= (NM_001244134.1, NM_001320961.2); c.1269T>C (NM_005204.3).
Identifiers: ClinVar variation 1640426 (VCV001640426.11), dbSNP rs139333853, ClinGen allele CA5459888.